The following is an entry in ClinVar:

NM_001365999.1(SZT2):c.6065G>A (p.Arg2022His)

Gene: SZT2 (SZT2 subunit of KICSTOR complex; plus strand). Cytogenetic location: 1p34.2.
Variant type: single nucleotide variant.
Coding change: c.6065G>A on transcript NM_001365999.1 (MANE Select); coding-DNA position 6065, G replaced by A.
Protein change: p.Arg2022His; replaces arginine 2022 with histidine.
Molecular consequence: missense variant.
Genome position (GRCh38, 1-based): chr1:43,437,201, G>A. VCF-style: chr1-43437201-G-A. GRCh37 (hg19) VCF-style: chr1-43902872-G-A.
Other names: c.5894G>A, p.Arg1965His (NM_015284.4); c.5894G>A (NM_015284.3); short protein forms R1965H, R2022H.
Identifiers: ClinVar variation 1004199 (VCV001004199.6), dbSNP rs751985872, ClinGen allele CA809793.

ClinVar aggregate classification (germline): Uncertain significance. Review status: criteria provided, multiple submitters, no conflicts (2 of 4 stars). 3 submissions from 3 submitters: Uncertain significance (3). Last evaluated 2023-04-24.

Conditions:
Inborn genetic diseases. Identifiers: MedGen C0950123, MeSH D030342.
Developmental and epileptic encephalopathy, 18 (DEE18). Also called: Early infantile epileptic encephalopathy 18. Identifiers: Orphanet 369894, MedGen C3809624, MONDO:0014201, OMIM 615476.

Allele frequency attached by ClinVar (database versions not stated): gnomAD exomes below 0.00001; ExAC 0.00001; gnomAD 0.00002 and 0.00003; TOPMed 0.00002.

Submissions (3):

Labcorp Genetics (formerly Invitae), Labcorp
Classification: Uncertain significance. Last evaluated: 2023-04-24. Review status: criteria provided, single submitter. Criteria: Invitae Variant Classification Sherloc (09022015). Collection method: clinical testing. Allele origin: germline.
Comment: This sequence change replaces arginine, which is basic and polar, with histidine, which is basic and polar, at codon 1965 of the SZT2 protein (p.Arg1965His). In summary, the available evidence is currently insufficient to determine the role of this variant in disease. Therefore, it has been classified as a Variant of Uncertain Significance. Advanced modeling of protein sequence and biophysical properties (such as structural, functional, and spatial information, amino acid conservation, physicochemical variation, residue mobility, and thermodynamic stability) has been performed at Invitae for this missense variant, however the output from this modeling did not meet the statistical confidence thresholds required to predict the impact of this variant on SZT2 protein function. ClinVar contains an entry for this variant (Variation ID: 1004199). This variant has not been reported in the literature in individuals affected with SZT2-related conditions. This variant is present in population databases (rs751985872, gnomAD 0.0009%).

Genome-Nilou Lab
Classification: Uncertain significance for Developmental and epileptic encephalopathy, 18. Last evaluated: 2023-04-11. Review status: criteria provided, single submitter. Criteria: ACMG Guidelines, 2015. Collection method: clinical testing. Allele origin: germline. Affected: no.

Ambry Genetics
Classification: Uncertain significance for Inborn genetic diseases. Last evaluated: 2021-08-12. Review status: criteria provided, single submitter. Criteria: Ambry Variant Classification Scheme 2023. Collection method: clinical testing. Allele origin: germline.